The following is an entry in ClinVar:

ClinVar aggregate classification (germline): Uncertain significance. Review status: criteria provided, multiple submitters, no conflicts (2 of 4 stars). 3 submissions from 3 submitters: Uncertain significance (3). Last evaluated 2025-05-14.

Conditions:
Inborn genetic diseases. Identifiers: MedGen C0950123, MeSH D030342.

Allele frequency attached by ClinVar (database versions not stated): gnomAD 0.00001; TOPMed 0.00004; ESP Exome Variant Server 0.00008; 1000 Genomes Project 30x 0.00016.
gnomAD v4.1: 33 of 1,613,910 alleles (0.002%); highest among the groups gnomAD compares: East Asian, 0.0089%; no homozygotes.

Submissions (3):

Ambry Genetics
Classification: Uncertain significance for Inborn genetic diseases. Last evaluated: 2025-05-14. Review status: criteria provided, single submitter. Criteria: Ambry Variant Classification Scheme 2023. Collection method: clinical testing. Allele origin: germline.

CeGaT Center for Human Genetics Tuebingen
Classification: Uncertain significance. Last evaluated: 2025-01-01. Review status: criteria provided, single submitter. Criteria: CeGaT Center For Human Genetics Tuebingen Variant Classification Criteria Version 2. Collection method: clinical testing. Allele origin: germline. Affected: yes. Observed: 1 variant allele.

Labcorp Genetics (formerly Invitae), Labcorp
Classification: Uncertain significance. Last evaluated: 2022-07-20. Review status: criteria provided, single submitter. Criteria: Invitae Variant Classification Sherloc (09022015). Collection method: clinical testing. Allele origin: germline.
Comment: This sequence change replaces aspartic acid, which is acidic and polar, with asparagine, which is neutral and polar, at codon 1104 of the TTBK2 protein (p.Asp1104Asn). This variant is present in population databases (rs371341038, gnomAD 0.003%). This variant has not been reported in the literature in individuals affected with TTBK2-related conditions. Algorithms developed to predict the effect of missense changes on protein structure and function are either unavailable or do not agree on the potential impact of this missense change (SIFT: "Tolerated"; PolyPhen-2: "Probably Damaging"; Align-GVGD: "Class C0"). In summary, the available evidence is currently insufficient to determine the role of this variant in disease. Therefore, it has been classified as a Variant of Uncertain Significance.

NM_173500.4(TTBK2):c.3310G>A (p.Asp1104Asn)

Gene: TTBK2 (tau tubulin kinase 2; minus strand). Cytogenetic location: 15q15.2.
Variant type: single nucleotide variant.
Coding change: c.3310G>A on transcript NM_173500.4 (MANE Select); coding-DNA position 3310, G replaced by A.
Protein change: p.Asp1104Asn; replaces aspartic acid 1104 with asparagine.
Molecular consequence: missense variant.
Genome position (GRCh38, 1-based): chr15:42,746,220, C>T on the plus strand (G>A on the coding strand, the complement: TTBK2 is on the minus strand). VCF-style: chr15-42746220-C-T. GRCh37 (hg19) VCF-style: chr15-43038418-C-T.
Other names: short protein forms D1104N.
Identifiers: ClinVar variation 1942843 (VCV001942843.20), dbSNP rs371341038, ClinGen allele CA269922232.